The following is an entry in ClinVar:

NM_001136191.3(KANK2):c.505C>G (p.Pro169Ala)

Gene: KANK2 (KN motif and ankyrin repeat domains 2; minus strand). Cytogenetic location: 19p13.2.
Variant type: single nucleotide variant.
Coding change: c.505C>G on transcript NM_001136191.3 (MANE Select); coding-DNA position 505, C replaced by G.
Protein change: p.Pro169Ala; replaces proline 169 with alanine.
Molecular consequence: missense variant.
Genome position (GRCh38, 1-based): chr19:11,193,575, G>C on the plus strand (C>G on the coding strand, the complement: KANK2 is on the minus strand). VCF-style: chr19-11193575-G-C. GRCh37 (hg19) VCF-style: chr19-11304251-G-C.
Other names: c.505C>G, p.Pro169Ala (NM_001329451.2, NM_001379548.1, NM_001379549.1 and 15 more transcripts); short protein forms P169A.
Identifiers: ClinVar variation 1483817 (VCV001483817.6), dbSNP rs1305790537, ClinGen allele CA404089513.

ClinVar aggregate classification (germline): Uncertain significance (1 of 4 stars; one submission).

Allele frequency attached by ClinVar (database versions not stated): TOPMed below 0.00001; gnomAD 0.00001; gnomAD exomes 0.00001.
gnomAD v4.1: 9 of 1,588,994 alleles (0.00057%); highest among the groups gnomAD compares: Non-Finnish European, 0.00077%; no homozygotes.

Submission:

Labcorp Genetics (formerly Invitae), Labcorp
Classification: Uncertain significance. Last evaluated: 2024-05-15. Review status: criteria provided, single submitter. Criteria: Invitae Variant Classification Sherloc (09022015). Collection method: clinical testing. Allele origin: germline.
Comment: This sequence change replaces proline, which is neutral and non-polar, with alanine, which is neutral and non-polar, at codon 169 of the KANK2 protein (p.Pro169Ala). This variant is present in population databases (no rsID available, gnomAD 0.002%). This variant has not been reported in the literature in individuals affected with KANK2-related conditions. ClinVar contains an entry for this variant (Variation ID: 1483817). An algorithm developed to predict the effect of missense changes on protein structure and function (PolyPhen-2) suggests that this variant is likely to be disruptive. In summary, the available evidence is currently insufficient to determine the role of this variant in disease. Therefore, it has been classified as a Variant of Uncertain Significance.